The following is an entry in ClinVar:

NM_006767.4(LZTR1):c.787A>T (p.Lys263Ter)

Gene: LZTR1 (leucine zipper like post translational regulator 1; plus strand). Cytogenetic location: 22q11.21.
Variant type: single nucleotide variant.
Coding change: c.787A>T on transcript NM_006767.4 (MANE Select); coding-DNA position 787, A replaced by T.
Protein change: p.Lys263Ter; replaces lysine 263 with a stop codon.
Molecular consequence: nonsense.
Genome position (GRCh38, 1-based): chr22:20,990,521, A>T. VCF-style: chr22-20990521-A-T. GRCh37 (hg19) VCF-style: chr22-21344810-A-T.
Other names: short protein forms K263*.
Identifiers: ClinVar variation 5023740 (VCV005023740.1).

ClinVar aggregate classification (germline): Pathogenic (1 of 4 stars; one submission).

Conditions:
Cardiovascular phenotype. Identifiers: MedGen CN230736.
Hereditary cancer-predisposing syndrome. Also called: Neoplastic Syndromes, Hereditary; Tumor predisposition; Hereditary neoplastic syndrome; Hereditary Cancer Syndrome. Identifiers: Orphanet 140162, MedGen C0027672, MeSH D009386, MONDO:0015356.

Submission:

Ambry Genetics
Classification: Pathogenic for Cardiovascular phenotype; Hereditary cancer-predisposing syndrome. Last evaluated: 2026-07-29. Review status: criteria provided, single submitter. Criteria: Ambry Variant Classification Scheme 2023. Collection method: clinical testing. Allele origin: germline.
Comment: The p.K263* pathogenic mutation (also known as c.787A>T), located in coding exon 8 of the LZTR1 gene, results from an A to T substitution at nucleotide position 787. This changes the amino acid from a lysine to a stop codon within coding exon 8. This alteration is expected to result in loss of function by premature protein truncation or nonsense-mediated mRNA decay. Loss-of-function variants in LZTR1 are related to an increased risk for schwannomas and autosomal recessive Noonan syndrome; however, such associations with autosomal dominant Noonan syndrome have not been observed (Piotrowski A et al. Nat Genet. 2014 Feb;46:182-7; Yamamoto GL et al. J Med Genet. 2015 Jun;52:413-21; Johnston JJ et al. Genet Med. 2018 10;20:1175-1185). Based on the supporting evidence, this variant is pathogenic for an increased risk of LZTR1-related schwannomatosis (SWN) and would be expected to cause autosomal recessive Noonan syndrome when present along with a second pathogenic or likely pathogenic variant on the other allele; however, the association of this variant with autosomal dominant Noonan syndrome is unlikely.